The following is an entry in ClinVar:

NM_000814.6(GABRB3):c.428T>G (p.Leu143Arg)

Gene: GABRB3 (gamma-aminobutyric acid type A receptor subunit beta3; minus strand). Cytogenetic location: 15q12.
Variant type: single nucleotide variant.
Coding change: c.428T>G on transcript NM_000814.6 (MANE Select); coding-DNA position 428, T replaced by G.
Protein change: p.Leu143Arg; replaces leucine 143 with arginine.
Molecular consequence: missense variant. On other transcripts: non-coding transcript variant (1).
Genome position (GRCh38, 1-based): chr15:26,621,347, A>C on the plus strand (T>G on the coding strand, the complement: GABRB3 is on the minus strand). VCF-style: chr15-26621347-A-C. GRCh37 (hg19) VCF-style: chr15-26866494-A-C.
Other names: c.173T>G, p.Leu58Arg (NM_001191320.2, NM_001278631.2); c.215T>G, p.Leu72Arg (NM_001191321.3); c.428T>G, p.Leu143Arg (NM_021912.5); short protein forms L143R, L58R, L72R.
Identifiers: ClinVar variation 640537 (VCV000640537.8), dbSNP rs1595489812, ClinGen allele CA391460691.

ClinVar aggregate classification (germline): Uncertain significance (1 of 4 stars; one submission).

Conditions:
Epilepsy, childhood absence, susceptibility to, 5. Identifiers: Orphanet 64280, MedGen C2677087, MONDO:0012843, OMIM 612269.
Epilepsy, childhood absence, susceptibility to, 1. Also called: Epilepsy, childhood absence 1. Identifiers: Orphanet 64280, MedGen C1838604, MONDO:0020759, OMIM 600131.

Submission:

Labcorp Genetics (formerly Invitae), Labcorp
Classification: Uncertain significance for Epilepsy, childhood absence, susceptibility to, 5; Epilepsy, childhood absence, susceptibility to, 1. Last evaluated: 2023-05-15. Review status: criteria provided, single submitter. Criteria: Invitae Variant Classification Sherloc (09022015). Collection method: clinical testing. Allele origin: germline.
Comment: ClinVar contains an entry for this variant (Variation ID: 640537). Advanced modeling of protein sequence and biophysical properties (such as structural, functional, and spatial information, amino acid conservation, physicochemical variation, residue mobility, and thermodynamic stability) performed at Invitae indicates that this missense variant is expected to disrupt GABRB3 protein function. In summary, the available evidence is currently insufficient to determine the role of this variant in disease. Therefore, it has been classified as a Variant of Uncertain Significance. This variant has not been reported in the literature in individuals affected with GABRB3-related conditions. This sequence change replaces leucine, which is neutral and non-polar, with arginine, which is basic and polar, at codon 143 of the GABRB3 protein (p.Leu143Arg). This variant is not present in population databases (gnomAD no frequency).